The following is an entry in ClinVar:

ClinVar aggregate classification (germline): Uncertain significance (1 of 4 stars; one submission).

gnomAD v4.1: 23 of 1,614,154 alleles (0.0014%); highest among the groups gnomAD compares: African/African-American, 0.031%; no homozygotes.

Submission:

Mayo Clinic Laboratories, Mayo Clinic
Classification: Uncertain significance. Last evaluated: 2024-05-07. Review status: criteria provided, single submitter. Criteria: ACMG Guidelines, 2015. Collection method: clinical testing. Allele origin: germline. Observed: 1 variant allele.
Comment: BP4, PM1_supporting

NM_001372123.1(IKZF5):c.207G>A (p.Met69Ile)

Gene: IKZF5 (IKAROS family zinc finger 5; minus strand). Cytogenetic location: 10q26.13.
Variant type: single nucleotide variant.
Coding change: c.207G>A on transcript NM_001372123.1 (MANE Select); coding-DNA position 207, G replaced by A.
Protein change: p.Met69Ile; replaces methionine 69 with isoleucine.
Molecular consequence: missense variant. On other transcripts: initiator codon variant (4).
Genome position (GRCh38, 1-based): chr10:122,996,103, C>T on the plus strand (G>A on the coding strand, the complement: IKZF5 is on the minus strand). VCF-style: chr10-122996103-C-T. GRCh37 (hg19) VCF-style: chr10-124755619-C-T.
Other names: p.Met69Ile; c.207G>A, p.Met69Ile (NM_001271840.1, NM_001372125.1, NM_001372126.1 and 2 more transcripts); c.3G>A, p.Met1Ile (NM_001372124.1, NM_001372129.1, NM_001372130.1 and 1 more transcripts); short protein forms M1I, M69I.
Identifiers: ClinVar variation 3379999 (VCV003379999.1).